The following is an entry in ClinVar:

ClinVar aggregate classification (germline): Uncertain significance (1 of 4 stars; one submission).

gnomAD v4.1: 1 of 1,550,336 alleles (0.000065%); no homozygotes.

Submission:

GeneDx
Classification: Uncertain significance. Last evaluated: 2025-03-06. Review status: criteria provided, single submitter. Criteria: GeneDx Variant Classification Process June 2021. Collection method: clinical testing. Allele origin: germline. Affected: yes.
Comment: Not observed at significant frequency in large population cohorts (gnomAD); In silico analysis indicates that this missense variant does not alter protein structure/function; Has not been previously published as pathogenic or benign to our knowledge

NM_001287491.2(TET3):c.347G>A (p.Gly116Glu)

Gene: TET3 (tet methylcytosine dioxygenase 3; plus strand). Cytogenetic location: 2p13.1.
Variant type: single nucleotide variant.
Coding change: c.347G>A on transcript NM_001287491.2 (MANE Select); coding-DNA position 347, G replaced by A.
Protein change: p.Gly116Glu; replaces glycine 116 with glutamic acid.
Molecular consequence: missense variant.
Genome position (GRCh38, 1-based): chr2:74,003,153, G>A. VCF-style: chr2-74003153-G-A. GRCh37 (hg19) VCF-style: chr2-74230280-G-A.
Other names: c.68G>A, p.Gly23Glu (NM_001366022.1); short protein forms G116E, G23E.
Identifiers: ClinVar variation 4082981 (VCV004082981.1).